The following is an entry in ClinVar:

NM_201548.5(CERKL):c.327T>G (p.Val109=)

Gene: CERKL (CERK like autophagy regulator; minus strand). Cytogenetic location: 2q31.3.
Variant type: single nucleotide variant.
Coding change: c.327T>G on transcript NM_201548.5 (MANE Select); coding-DNA position 327, T replaced by G.
Protein change: p.Val109=; no amino-acid change (valine 109 retained).
Molecular consequence: synonymous variant. On other transcripts: non-coding transcript variant (2).
Genome position (GRCh38, 1-based): chr2:181,603,991, A>C on the plus strand (T>G on the coding strand, the complement: CERKL is on the minus strand). VCF-style: chr2-181603991-A-C. GRCh37 (hg19) VCF-style: chr2-182468718-A-C.
Other names: c.327T>G, p.Val109= (NM_001030311.3, NM_001030312.3, NM_001030313.3 and 1 more transcripts).
Identifiers: ClinVar variation 799969 (VCV000799969.12), dbSNP rs907281117, ClinGen allele CA61602238.

ClinVar aggregate classification (germline): Likely benign. Review status: criteria provided, multiple submitters, no conflicts (2 of 4 stars). 3 submissions from 3 submitters: Likely benign (2). 1 of the submissions does not count toward it. Last evaluated 2025-04-07.

Conditions:
Retinitis pigmentosa 26 (RP26). Identifiers: Orphanet 791, MedGen C1842127, MONDO:0012024, OMIM 608380.
CERKL-related disorder. Also called: CERKL-related condition.

Allele frequency attached by ClinVar (database versions not stated): gnomAD exomes 0.00001; TOPMed 0.00003; gnomAD 0.00006 and 0.00007.
gnomAD v4.1: 16 of 1,613,234 alleles (0.00099%); highest among the groups gnomAD compares: African/African-American, 0.021%; no homozygotes.

Submissions (3):

PreventionGenetics, part of Exact Sciences
Classification: Likely benign for CERKL-related condition. Last evaluated: 2025-04-07. Review status: criteria provided, single submitter. Criteria: ACMG Guidelines, 2015. Collection method: clinical testing. Allele origin: germline.
Comment: This variant is classified as likely benign based on ACMG/AMP sequence variant interpretation guidelines (Richards et al. 2015 PMID: 25741868, with internal and published modifications).

Labcorp Genetics (formerly Invitae), Labcorp
Classification: Likely benign. Last evaluated: 2023-06-06. Review status: criteria provided, single submitter. Criteria: Invitae Variant Classification Sherloc (09022015). Collection method: clinical testing. Allele origin: germline.

Natera, Inc.
Classification: Likely benign for Retinitis pigmentosa type 26. Last evaluated: 2020-05-02. Review status: no assertion criteria provided. Collection method: clinical testing. Allele origin: germline. Not counted in ClinVar's aggregate classification.